The following is an entry in ClinVar:

ClinVar aggregate classification (germline): Uncertain significance (1 of 4 stars; one submission).

Allele frequency attached by ClinVar (database versions not stated): gnomAD exomes below 0.00001.
gnomAD v4.1: 1 of 1,198,770 alleles (0.000083%); highest among the groups gnomAD compares: Non-Finnish European, 0.00011%; no homozygotes.

Submission:

Labcorp Genetics (formerly Invitae), Labcorp
Classification: Uncertain significance. Last evaluated: 2023-07-30. Review status: criteria provided, single submitter. Criteria: Invitae Variant Classification Sherloc (09022015). Collection method: clinical testing. Allele origin: germline.
Comment: This variant is not present in population databases (gnomAD no frequency). This sequence change replaces glycine, which is neutral and non-polar, with serine, which is neutral and polar, at codon 1087 of the STAG2 protein (p.Gly1087Ser). In summary, the available evidence is currently insufficient to determine the role of this variant in disease. Therefore, it has been classified as a Variant of Uncertain Significance. An algorithm developed to predict the effect of missense changes on protein structure and function (PolyPhen-2) suggests that this variant is likely to be tolerated. This variant has not been reported in the literature in individuals affected with STAG2-related conditions.

NM_001042750.2(STAG2):c.3259G>A (p.Gly1087Ser)

Gene: STAG2 (STAG2 cohesin complex component; plus strand). Cytogenetic location: Xq25.
Variant type: single nucleotide variant.
Coding change: c.3259G>A on transcript NM_001042750.2 (MANE Select); coding-DNA position 3259, G replaced by A.
Protein change: p.Gly1087Ser; replaces glycine 1087 with serine.
Molecular consequence: missense variant.
Genome position (GRCh38, 1-based): chrX:124,086,752, G>A. VCF-style: chrX-124086752-G-A. GRCh37 (hg19) VCF-style: chrX-123220602-G-A.
Other names: c.3259G>A, p.Gly1087Ser (NM_006603.5, NM_001042749.2, NM_001042751.2 and 13 more transcripts); short protein forms G1087S.
Identifiers: ClinVar variation 2748388 (VCV002748388.3), dbSNP rs2148467237, ClinGen allele CA414281165.